The following is an entry in ClinVar:

ClinVar aggregate classification (germline): Uncertain significance (1 of 4 stars; one submission).

Allele frequency attached by ClinVar (database versions not stated): gnomAD exomes 0.00001; TOPMed 0.00001; ExAC 0.00002.
gnomAD v4.1: 6 of 1,613,800 alleles (0.00037%); highest among the groups gnomAD compares: Non-Finnish European, 0.00051%; no homozygotes.

Submission:

Labcorp Genetics (formerly Invitae), Labcorp
Classification: Uncertain significance. Last evaluated: 2024-03-16. Review status: criteria provided, single submitter. Criteria: Invitae Variant Classification Sherloc (09022015). Collection method: clinical testing. Allele origin: germline.
Comment: This sequence change replaces histidine, which is basic and polar, with tyrosine, which is neutral and polar, at codon 104 of the NLRP1 protein (p.His104Tyr). This variant is present in population databases (rs762231366, gnomAD 0.002%). This variant has not been reported in the literature in individuals affected with NLRP1-related conditions. An algorithm developed to predict the effect of missense changes on protein structure and function (PolyPhen-2) suggests that this variant is likely to be tolerated. In summary, the available evidence is currently insufficient to determine the role of this variant in disease. Therefore, it has been classified as a Variant of Uncertain Significance.

NM_033004.4(NLRP1):c.310C>T (p.His104Tyr)

Gene: NLRP1 (NLR family pyrin domain containing 1; minus strand). Cytogenetic location: 17p13.2.
Variant type: single nucleotide variant.
Coding change: c.310C>T on transcript NM_033004.4 (MANE Select); coding-DNA position 310, C replaced by T.
Protein change: p.His104Tyr; replaces histidine 104 with tyrosine.
Molecular consequence: missense variant.
Genome position (GRCh38, 1-based): chr17:5,582,808, G>A on the plus strand (C>T on the coding strand, the complement: NLRP1 is on the minus strand). VCF-style: chr17-5582808-G-A. GRCh37 (hg19) VCF-style: chr17-5486128-G-A.
Other names: c.310C>T, p.His104Tyr (NM_001033053.3, NM_014922.5, NM_033006.4 and 1 more transcripts); short protein forms H104Y.
Identifiers: ClinVar variation 3022661 (VCV003022661.3), dbSNP rs762231366, ClinGen allele CA8327608.